The following is an entry in ClinVar:

ClinVar aggregate classification (germline): Uncertain significance (1 of 4 stars; one submission).

Conditions:
Intellectual developmental disorder with autistic features and language delay, with or without seizures. Identifiers: MedGen C5394447, MONDO:0030051, OMIM 618906.

Submission:

University of Washington Department of Laboratory Medicine, University of Washington
Classification: Uncertain significance for Intellectual developmental disorder with autistic features and language delay, with or without seizures. Last evaluated: 2023-04-24. Review status: criteria provided, single submitter. Criteria: ACMG Guidelines, 2015. Collection method: clinical testing. Allele origin: unknown. Affected: yes.
Comment: The p.Ser1872Cys variant in the TANC2 gene has not been previously reported in association with disease. This variant was absent from large population databases, including the Genome Aggregation Database. In silico tools do not consistently predict if the p.Ser1872Cys variant impacts protein function; however, these predictions have not been tested directly. Using ACMG guidelines, this variant was classified as a variant of uncertain significance (ACMG evidence codes used: PM2_supporting).

NM_001394998.1(TANC2):c.5867C>G (p.Ser1956Cys)

Gene: TANC2 (tetratricopeptide repeat, ankyrin repeat and coiled-coil containing 2; plus strand). Cytogenetic location: 17q23.3.
Variant type: single nucleotide variant.
Coding change: c.5867C>G on transcript NM_001394998.1 (MANE Select); coding-DNA position 5867, C replaced by G.
Protein change: p.Ser1956Cys; replaces serine 1956 with cysteine.
Molecular consequence: missense variant.
Genome position (GRCh38, 1-based): chr17:63,421,597, C>G. VCF-style: chr17-63421597-C-G. GRCh37 (hg19) VCF-style: chr17-61498958-C-G.
Other names: c.5645C>G, p.Ser1882Cys (NM_001411076.1); c.5615C>G, p.Ser1872Cys (NM_025185.4); c.5615C>G (NM_025185.3); short protein forms S1872C, S1882C, S1956C.
Identifiers: ClinVar variation 3777132 (VCV003777132.1).